The following is an entry in ClinVar:

ClinVar aggregate classification (germline): Conflicting classifications of pathogenicity. Review status: criteria provided, conflicting classifications (1 of 4 stars). 2 submissions from 2 submitters: Likely pathogenic (1); Uncertain significance (1). Last evaluated 2024-05-10.

Conditions:
Autosomal recessive osteopetrosis 1. Also called: ALBERS-SCHONBERG DISEASE, AUTOSOMAL RECESSIVE; TCIRG1-Related Osteopetrosis; TCIRG1-Related Autosomal Recessive Osteopetrosis. Identifiers: Orphanet 667, MedGen C1850127, MONDO:0009815, OMIM 259700.

gnomAD v4.1: 1 of 1,613,348 alleles (0.000062%); highest among the groups gnomAD compares: South Asian, 0.0011%; no homozygotes.

Submissions (2):

Fulgent Genetics
Classification: Likely pathogenic for Autosomal recessive osteopetrosis 1. Last evaluated: 2024-05-10. Review status: criteria provided, single submitter. Criteria: ACMG Guidelines, 2015. Collection method: clinical testing. Allele origin: germline.

Women's Health and Genetics/Laboratory Corporation of America, LabCorp
Classification: Uncertain significance. Last evaluated: 2024-05-10. Review status: criteria provided, single submitter. Criteria: LabCorp Variant Classification Summary - May 2015. Collection method: clinical testing. Allele origin: germline.
Comment: Variant summary: TCIRG1 c.2377G>A (p.Gly793Arg) results in a non-conservative amino acid change in the encoded protein sequence. Five of five in-silico tools predict a damaging effect of the variant on protein function. The variant allele was found at a frequency of 8e-06 in 250850 control chromosomes (gnomAD). A variant, described at the protein level as Gly793Arg, was reported in 2 compound heterozygous patients affected with infantile osteopetrosis (Corbacioglu_2006), both of whom carried a non-specified 'premature stop' variant on the other allele. In addition, a different variant resulting in the same missense change (c.2377G>C / p.G793R), was also reported in a compound heterozygous patient affected with infantile osteopetrosis (Mazzolari_2009). These data indicate that the variant may be associated with disease. To our knowledge, no experimental evidence demonstrating an impact on protein function has been reported. The following publications have been ascertained in the context of this evaluation (PMID: 19507210, 16953210). No submitters have cited clinical-significance assessments for this variant to ClinVar. Based on the evidence outlined above, the variant was classified as VUS-possibly pathogenic.

Literature cited by the submitters: PubMed 19507210 (cited by Women's Health and Genetics/Laboratory Corporation of America, LabCorp); PubMed 16953210 (cited by Women's Health and Genetics/Laboratory Corporation of America, LabCorp).

NM_006019.4(TCIRG1):c.2377G>A (p.Gly793Arg)

Gene: TCIRG1 (T cell immune regulator 1, ATPase H+ transporting V0 subunit a3; plus strand). Cytogenetic location: 11q13.2.
Variant type: single nucleotide variant.
Coding change: c.2377G>A on transcript NM_006019.4 (MANE Select); coding-DNA position 2377, G replaced by A.
Protein change: p.Gly793Arg; replaces glycine 793 with arginine.
Molecular consequence: missense variant.
Genome position (GRCh38, 1-based): chr11:68,050,627, G>A. VCF-style: chr11-68050627-G-A. GRCh37 (hg19) VCF-style: chr11-67818094-G-A.
Other names: c.1483G>A, p.Gly495Arg (NM_001351059.2); c.1729G>A, p.Gly577Arg (NM_006053.4); short protein forms G495R, G577R, G793R.
Identifiers: ClinVar variation 3336039 (VCV003336039.2).